The following is an entry in ClinVar:

NM_000146.4(FTL):c.178C>T (p.Arg60Cys)

Gene: FTL (ferritin light chain; plus strand). Cytogenetic location: 19q13.33.
Variant type: single nucleotide variant.
Coding change: c.178C>T on transcript NM_000146.4 (MANE Select); coding-DNA position 178, C replaced by T.
Protein change: p.Arg60Cys; replaces arginine 60 with cysteine.
Molecular consequence: missense variant.
Genome position (GRCh38, 1-based): chr19:48,965,845, C>T. VCF-style: chr19-48965845-C-T. GRCh37 (hg19) VCF-style: chr19-49469102-C-T.
Other names: short protein forms R60C.
Identifiers: ClinVar variation 1040858 (VCV001040858.9), dbSNP rs2038446533, ClinGen allele CA406756329.

ClinVar aggregate classification (germline): Uncertain significance (1 of 4 stars; one submission).

Conditions:
Hereditary hyperferritinemia with congenital cataracts. Also called: Hereditary hyperferritinemia cataract syndrome; Bonneau-Beaumont syndrome; HYPERFERRITINEMIA WITH OR WITHOUT CATARACT. Identifiers: Orphanet 163, MedGen C1833213, MONDO:0010952, OMIM 600886.
Neuroferritinopathy (NBIA3). Also called: NEURODEGENERATION WITH BRAIN IRON ACCUMULATION 3; BASAL GANGLIA DISEASE, ADULT-ONSET. Identifiers: Orphanet 157846, MedGen C1853578, MONDO:0011638, OMIM 606159.

Allele frequency attached by ClinVar (database versions not stated): gnomAD exomes below 0.00001; TOPMed below 0.00001.
gnomAD v4.1: 1 of 1,614,166 alleles (0.000062%); highest among the groups gnomAD compares: Non-Finnish European, 0.000085%; no homozygotes.

Submission:

Labcorp Genetics (formerly Invitae), Labcorp
Classification: Uncertain significance for Neuroferritinopathy; Hereditary hyperferritinemia with congenital cataracts. Last evaluated: 2020-12-25. Review status: criteria provided, single submitter. Criteria: Invitae Variant Classification Sherloc (09022015). Collection method: clinical testing. Allele origin: germline.
Comment: Algorithms developed to predict the effect of missense changes on protein structure and function are either unavailable or do not agree on the potential impact of this missense change (SIFT: "Deleterious"; PolyPhen-2: "Benign"; Align-GVGD: "Class C15"). This variant has not been reported in the literature in individuals with FTL-related conditions. This variant is not present in population databases (ExAC no frequency). This sequence change replaces arginine with cysteine at codon 60 of the FTL protein (p.Arg60Cys). The arginine residue is moderately conserved and there is a large physicochemical difference between arginine and cysteine. In summary, the available evidence is currently insufficient to determine the role of this variant in disease. Therefore, it has been classified as a Variant of Uncertain Significance.